The following is an entry in ClinVar:

NM_006901.4(MYO9A):c.6931T>G (p.Leu2311Val)

Gene: MYO9A (myosin IXA; minus strand). Cytogenetic location: 15q23.
Variant type: single nucleotide variant.
Coding change: c.6931T>G on transcript NM_006901.4 (MANE Select); coding-DNA position 6931, T replaced by G.
Protein change: p.Leu2311Val; replaces leucine 2311 with valine.
Molecular consequence: missense variant.
Genome position (GRCh38, 1-based): chr15:71,830,218, A>C on the plus strand (T>G on the coding strand, the complement: MYO9A is on the minus strand). VCF-style: chr15-71830218-A-C. GRCh37 (hg19) VCF-style: chr15-72122559-A-C.
Other names: c.6931T>G (NM_006901.2); short protein forms L2311V.
Identifiers: ClinVar variation 1049468 (VCV001049468.7), dbSNP rs149312322, ClinGen allele CA7640745.

ClinVar aggregate classification (germline): Uncertain significance. Review status: criteria provided, multiple submitters, no conflicts (2 of 4 stars). 3 submissions from 3 submitters: Uncertain significance (2). 1 of the submissions does not count toward it. Last evaluated 2025-02-26.

Conditions:
Inborn genetic diseases. Identifiers: MedGen C0950123, MeSH D030342.

Allele frequency attached by ClinVar (database versions not stated): gnomAD exomes 0.00006 and 0.00011; ExAC 0.00007; ESP Exome Variant Server 0.00008; gnomAD 0.00009 and 0.00010; TOPMed 0.00014.
gnomAD v4.1: 179 of 1,613,978 alleles (0.011%); highest among the groups gnomAD compares: Non-Finnish European, 0.014%; no homozygotes.

Submissions (3):

Ambry Genetics
Classification: Uncertain significance for Inborn genetic diseases. Last evaluated: 2025-02-26. Review status: criteria provided, single submitter. Criteria: Ambry Variant Classification Scheme 2023. Collection method: clinical testing. Allele origin: germline.

Greenwood Genetic Center Diagnostic Laboratories, Greenwood Genetic Center
Classification: Uncertain significance. Last evaluated: 2022-01-04. Review status: criteria provided, single submitter. Criteria: ACMG Guidelines, 2015. Collection method: clinical testing. Allele origin: germline. Affected: yes.
Comment: BP4, PM2

Department of Pathology and Laboratory Medicine, Sinai Health System
Classification: Uncertain significance. Review status: no assertion criteria provided. Collection method: clinical testing. Allele origin: unknown. Affected: yes. Study: The Canadian Open Genetics Repository (COGR). Not counted in ClinVar's aggregate classification.
Comment: The MYO9A p.L2311V variant was not identified in the literature nor was it identified in ClinVar.Â¬â€ The variant was identified in dbSNP (ID: rs149312322) and in control databases in 17 of 282618 chromosomes at a frequency of 0.00006015, where it was observed only in the European (non-Finnish) population in 17 of 129022 chromosomes (freq: 0.0001318) (Genome Aggregation Database March 6, 2019, v2.1.1).Â¬â€ The p.L2311 residue is not conserved in mammals and computational analyses (MUT Assesor, PolyPhen-2, SIFT, MutationTaster, Revel, FATHMM, MetaLR, DANN) do not suggest a high likelihood of impact to the protein; however this information is not predictive enough to rule out pathogenicity.Â¬â€ The variant occurs outside of the splicing consensus sequence and in silico or computational prediction software programs (Splice AI exome) do not predict a difference in splicing.Â¬â€ In summary, based on the above information the clinical significance of this variant cannot be determined with certainty at this time. This variant is classified as a variant of uncertain significance.